The following is an entry in ClinVar:

ClinVar aggregate classification (germline): Likely benign (1 of 4 stars; one submission).

Submission:

GeneDx
Classification: Likely benign. Last evaluated: 2017-11-17. Review status: criteria provided, single submitter. Criteria: GeneDx Variant Classification (06012015). Collection method: clinical testing. Allele origin: germline. Affected: yes.
Comment: This variant is considered likely benign or benign based on one or more of the following criteria: it is a conservative change, it occurs at a poorly conserved position in the protein, it is predicted to be benign by multiple in silico algorithms, and/or has population frequency not consistent with disease.

NM_005359.6(SMAD4):c.955+15_955+17del

Gene: SMAD4 (SMAD family member 4; plus strand). Cytogenetic location: 18q21.2.
Variant type: Deletion.
Coding change: c.955+15_955+17del on transcript NM_005359.6 (MANE Select); bases 15 to 17 of the intron after coding-DNA position 955, 3 bases deleted (AAA; older notation c.955+15_955+17delAAA).
Molecular consequence: intron variant.
Genome position (GRCh38, 1-based): chr18:51,059,931-51,059,933, AAA deleted; deleting any 3 consecutive bases within chr18:51,059,930-51,059,933 gives the same sequence; the c. name uses the placement nearest the transcript's 3' end. VCF-style (leftmost placement, unchanged base first): chr18-51059929-CAAA-C. GRCh37 (hg19) VCF-style: chr18-48586299-CAAA-C.
Other names: c.955+15_955+17delAAA (NM_005359.5).
Identifiers: ClinVar variation 513522 (VCV000513522.1), dbSNP rs1555686095, ClinGen allele CA658799062.